The following is an entry in ClinVar:

NM_001365276.2(TNXB):c.7096A>G (p.Lys2366Glu)

Gene: TNXB (tenascin XB; minus strand). Cytogenetic location: 6p21.33.
Variant type: single nucleotide variant.
Coding change: c.7096A>G on transcript NM_001365276.2 (MANE Select); coding-DNA position 7096, A replaced by G.
Protein change: p.Lys2366Glu; replaces lysine 2366 with glutamic acid.
Molecular consequence: missense variant.
Genome position (GRCh38, 1-based): chr6:32,062,229, T>C on the plus strand (A>G on the coding strand, the complement: TNXB is on the minus strand). VCF-style: chr6-32062229-T-C. GRCh37 (hg19) VCF-style: chr6-32030006-T-C.
Other names: c.7096A>G, p.Lys2366Glu (NM_019105.8); short protein forms K2366E.
Identifiers: ClinVar variation 1757117 (VCV001757117.2), dbSNP rs747759124, ClinGen allele CA3734261.

ClinVar aggregate classification (germline): Uncertain significance (1 of 4 stars; one submission).

Conditions:
Cardiovascular phenotype. Identifiers: MedGen CN230736.

Allele frequency attached by ClinVar (database versions not stated): ExAC 0.00001; gnomAD 0.00001.
gnomAD v4.1: 1 of 1,613,128 alleles (0.000062%); highest among the groups gnomAD compares: African/African-American, 0.0013%; no homozygotes.

Submission:

Ambry Genetics
Classification: Uncertain significance for Cardiovascular phenotype. Last evaluated: 2022-08-29. Review status: criteria provided, single submitter. Criteria: Ambry Variant Classification Scheme 2023. Collection method: clinical testing. Allele origin: germline.
Comment: The p.K2366E variant (also known as c.7096A>G), located in coding exon 19 of the TNXB gene, results from an A to G substitution at nucleotide position 7096. The lysine at codon 2366 is replaced by glutamic acid, an amino acid with similar properties. This amino acid position is conserved. In addition, this alteration is predicted to be tolerated by in silico analysis. Since supporting evidence is limited at this time, the clinical significance of this alteration remains unclear.